The following is an entry in ClinVar:

ClinVar aggregate classification (germline): Uncertain significance (1 of 4 stars; one submission).

Allele frequency attached by ClinVar (database versions not stated): TOPMed below 0.00001; gnomAD 0.00001; gnomAD exomes 0.00001.

Submission:

Labcorp Genetics (formerly Invitae), Labcorp
Classification: Uncertain significance. Last evaluated: 2023-12-17. Review status: criteria provided, single submitter. Criteria: Invitae Variant Classification Sherloc (09022015). Collection method: clinical testing. Allele origin: germline.
Comment: This sequence change falls in intron 4 of the KL gene. It does not directly change the encoded amino acid sequence of the KL protein. It affects a nucleotide within the consensus splice site. This variant is not present in population databases (gnomAD no frequency). This variant has not been reported in the literature in individuals affected with KL-related conditions. ClinVar contains an entry for this variant (Variation ID: 631699). Variants that disrupt the consensus splice site are a relatively common cause of aberrant splicing (PMID: 17576681, 9536098). Algorithms developed to predict the effect of sequence changes on RNA splicing suggest that this variant may disrupt the consensus splice site. In summary, the available evidence is currently insufficient to determine the role of this variant in disease. Therefore, it has been classified as a Variant of Uncertain Significance.

Literature cited by the submitters: PubMed 17576681; PubMed 9536098.

NM_004795.4(KL):c.2702-1G>C

Gene: KL (klotho; plus strand). Cytogenetic location: 13q13.1.
Variant type: single nucleotide variant.
Coding change: c.2702-1G>C on transcript NM_004795.4 (MANE Select); the canonical splice acceptor site of the intron before coding-DNA position 2702, G replaced by C.
Molecular consequence: splice acceptor variant.
Genome position (GRCh38, 1-based): chr13:33,063,848, G>C. VCF-style: chr13-33063848-G-C. GRCh37 (hg19) VCF-style: chr13-33637985-G-C.
Identifiers: ClinVar variation 631699 (VCV000631699.7), dbSNP rs1566510826, ClinGen allele CA387799558.